The following is an entry in ClinVar:

NM_001378974.1(FBXW11):c.238_240del (p.Val80del)

Gene: FBXW11 (F-box and WD repeat domain containing 11; minus strand). Cytogenetic location: 5q35.1.
Variant type: Deletion.
Coding change: c.238_240del on transcript NM_001378974.1 (MANE Select); coding-DNA positions 238 to 240, 3 bases deleted (GTC; older notation c.238_240delGTC).
Protein change: p.Val80del; deletes valine 80.
Molecular consequence: inframe deletion.
Genome position (GRCh38, 1-based): chr5:171,910,768-171,910,770, GAC deleted on the plus strand (GTC on the coding strand, the reverse complement: FBXW11 is on the minus strand); deleting any 3 consecutive bases within chr5:171,910,768-171,910,772 gives the same sequence; the c. name uses the placement nearest the transcript's 3' end. VCF-style (leftmost placement, unchanged base first): chr5-171910767-AGAC-A. GRCh37 (hg19) VCF-style: chr5-171337771-AGAC-A.
Other names: c.175_177del, p.Val59del (NM_001378975.1, NM_012300.3); c.142_144del, p.Val48del (NM_001378976.1); c.79_81del, p.Val27del (NM_001378977.1, NM_001378978.1, NM_001378979.1); c.73_75del, p.Val25del (NM_001378980.1, NM_033645.3); c.136_138del, p.Val46del (NM_033644.3); short protein forms V25del, V27del, V46del, V48del, V59del, V80del.
Identifiers: ClinVar variation 3346942 (VCV003346942.1).

ClinVar aggregate classification (germline): Uncertain significance (0 of 4 stars; one submission).

Conditions:
FBXW11-related disorder. Also called: FBXW11-related condition.

Submission:

PreventionGenetics, part of Exact Sciences
Classification: Uncertain significance for FBXW11-related condition. Last evaluated: 2024-05-31. Review status: no assertion criteria provided. Collection method: clinical testing. Allele origin: germline.
Comment: The FBXW11 c.175_177delGTC variant is predicted to result in an in-frame deletion (p.Val59del). To our knowledge, this variant has not been reported in the literature or in a large population database, indicating this variant is rare. At this time, the clinical significance of this variant is uncertain due to the absence of conclusive functional and genetic evidence.